The following is an entry in ClinVar:

NM_005045.4(RELN):c.473+1G>A

Gene: RELN (reelin; minus strand). Cytogenetic location: 7q22.1.
Variant type: single nucleotide variant.
Coding change: c.473+1G>A on transcript NM_005045.4 (MANE Select); the canonical splice donor site of the intron after coding-DNA position 473, G replaced by A.
Molecular consequence: splice donor variant.
Genome position (GRCh38, 1-based): chr7:103,833,536, C>T on the plus strand (G>A on the coding strand, the complement: RELN is on the minus strand). VCF-style: chr7-103833536-C-T. GRCh37 (hg19) VCF-style: chr7-103473983-C-T.
Other names: c.473+1G>A (NM_173054.3).
Identifiers: ClinVar variation 2091013 (VCV002091013.5), dbSNP rs2485205855, ClinGen allele CA368930644.

ClinVar aggregate classification (germline): Likely pathogenic (1 of 4 stars; one submission).

Conditions:
Norman-Roberts syndrome (LIS2). Also called: Lissencephaly 2 (Norman-Roberts type). Identifiers: Orphanet 89844, MedGen C0796089, MONDO:0009760, OMIM 257320.
Familial temporal lobe epilepsy 7. Identifiers: Orphanet 101046, MedGen C4225327, MONDO:0014639, OMIM 616436.

Submissions (2):

Labcorp Genetics (formerly Invitae), Labcorp
Classification: Likely pathogenic for Familial temporal lobe epilepsy 7; Norman-Roberts syndrome. Last evaluated: 2022-09-01. Review status: criteria provided, single submitter. Criteria: Invitae Variant Classification Sherloc (09022015). Collection method: clinical testing. Allele origin: germline.
Comment: This sequence change affects a donor splice site in intron 3 of the RELN gene. It is expected to disrupt RNA splicing. Variants that disrupt the donor or acceptor splice site typically lead to a loss of protein function (PMID: 16199547), and loss-of-function variants in RELN are known to be pathogenic (PMID: 10973257, 26046367, 28454995). This variant is not present in population databases (gnomAD no frequency). This variant has not been reported in the literature in individuals affected with RELN-related conditions. Algorithms developed to predict the effect of sequence changes on RNA splicing suggest that this variant may disrupt the consensus splice site. In summary, the currently available evidence indicates that the variant is pathogenic, but additional data are needed to prove that conclusively. Therefore, this variant has been classified as Likely Pathogenic.

Dr. Peter K. Rogan Lab, Western University
No classification provided (evidence only). Condition: Familial cancer of breast. Review status: no classification provided. Collection method: in vitro. Allele origin: not applicable. Functional consequence: retained intron. Not counted in ClinVar's aggregate classification.

Literature cited by the submitters: PubMed 16199547 (cited by Labcorp Genetics (formerly Invitae), Labcorp); PubMed 10973257 (cited by Labcorp Genetics (formerly Invitae), Labcorp); PubMed 26046367 (cited by Labcorp Genetics (formerly Invitae), Labcorp); PubMed 28454995 (cited by Labcorp Genetics (formerly Invitae), Labcorp).